The following is an entry in ClinVar:

ClinVar aggregate classification (germline): Uncertain significance (1 of 4 stars; one submission).

Submission:

Labcorp Genetics (formerly Invitae), Labcorp
Classification: Uncertain significance. Last evaluated: 2024-11-28. Review status: criteria provided, single submitter. Criteria: Invitae Variant Classification Sherloc (09022015). Collection method: clinical testing. Allele origin: germline.
Comment: This sequence change replaces glycine, which is neutral and non-polar, with aspartic acid, which is acidic and polar, at codon 180 of the SLC38A8 protein (p.Gly180Asp). This variant is not present in population databases (gnomAD no frequency). This missense change has been observed in individual(s) with clinical features of oculocutaneous albinism (internal data). In at least one individual the data is consistent with being in trans (on the opposite chromosome) from a pathogenic variant. Invitae Evidence Modeling of protein sequence and biophysical properties (such as structural, functional, and spatial information, amino acid conservation, physicochemical variation, residue mobility, and thermodynamic stability) has been performed for this missense variant. However, the output from this modeling did not meet the statistical confidence thresholds required to predict the impact of this variant on SLC38A8 protein function. Algorithms developed to predict the effect of sequence changes on RNA splicing suggest that this variant may disrupt the consensus splice site. In summary, the available evidence is currently insufficient to determine the role of this variant in disease. Therefore, it has been classified as a Variant of Uncertain Significance.

NM_001080442.3(SLC38A8):c.539G>A (p.Gly180Asp)

Gene: SLC38A8 (solute carrier family 38 member 8; minus strand). Cytogenetic location: 16q23.3.
Variant type: single nucleotide variant.
Coding change: c.539G>A on transcript NM_001080442.3 (MANE Select); coding-DNA position 539, G replaced by A.
Protein change: p.Gly180Asp; replaces glycine 180 with aspartic acid.
Molecular consequence: missense variant.
Genome position (GRCh38, 1-based): chr16:84,031,960, C>T on the plus strand (G>A on the coding strand, the complement: SLC38A8 is on the minus strand). VCF-style: chr16-84031960-C-T. GRCh37 (hg19) VCF-style: chr16-84065565-C-T.
Other names: short protein forms G180D.
Identifiers: ClinVar variation 3665559 (VCV003665559.2).